The following is an entry in ClinVar:

ClinVar aggregate classification (germline): Likely pathogenic (1 of 4 stars; one submission).

Submission:

Labcorp Genetics (formerly Invitae), Labcorp
Classification: Likely pathogenic. Last evaluated: 2024-09-30. Review status: criteria provided, single submitter. Criteria: Invitae Variant Classification Sherloc (09022015). Collection method: clinical testing. Allele origin: germline.
Comment: This sequence change replaces leucine, which is neutral and non-polar, with proline, which is neutral and non-polar, at codon 1405 of the KMT2B protein (p.Leu1405Pro). This variant is not present in population databases (gnomAD no frequency). This missense change has been observed in individual(s) with autosomal dominant dystonia (internal data). In at least one individual the variant was observed to be de novo. ClinVar contains an entry for this variant (Variation ID: 2008039). Invitae Evidence Modeling of protein sequence and biophysical properties (such as structural, functional, and spatial information, amino acid conservation, physicochemical variation, residue mobility, and thermodynamic stability) has been performed for this missense variant. However, the output from this modeling did not meet the statistical confidence thresholds required to predict the impact of this variant on KMT2B protein function. In summary, the currently available evidence indicates that the variant is pathogenic, but additional data are needed to prove that conclusively. Therefore, this variant has been classified as Likely Pathogenic.

NM_014727.3(KMT2B):c.4214T>C (p.Leu1405Pro)

Gene: KMT2B (lysine methyltransferase 2B; plus strand). Cytogenetic location: 19q13.12.
Variant type: single nucleotide variant.
Coding change: c.4214T>C on transcript NM_014727.3 (MANE Select); coding-DNA position 4214, T replaced by C.
Protein change: p.Leu1405Pro; replaces leucine 1405 with proline.
Molecular consequence: missense variant.
Genome position (GRCh38, 1-based): chr19:35,727,534, T>C. VCF-style: chr19-35727534-T-C. GRCh37 (hg19) VCF-style: chr19-36218435-T-C.
Other names: short protein forms L1405P.
Identifiers: ClinVar variation 2008039 (VCV002008039.4), dbSNP rs2513337260, ClinGen allele CA405413421.